The following is an entry in ClinVar:

ClinVar aggregate classification (germline): Conflicting classifications of pathogenicity. Review status: criteria provided, conflicting classifications (1 of 4 stars). 4 submissions from 4 submitters: Uncertain significance (2); Likely benign (2). Last evaluated 2025-12-29.

Conditions:
Hereditary cancer-predisposing syndrome. Also called: Tumor predisposition; Hereditary Cancer Syndrome; Neoplastic Syndromes, Hereditary; Hereditary neoplastic syndrome. Identifiers: Orphanet 140162, MedGen C0027672, MeSH D009386, MONDO:0015356.
Hereditary breast ovarian cancer syndrome. Also called: Hereditary breast and ovarian cancer; Breast and ovarian cancer; Hereditary breast and/or ovarian cancer syndrome; Hereditary breast and ovarian cancer syndrome; BRCA1- and BRCA2-Associated Hereditary Breast and Ovarian Cancer; Hereditary breast and ovarian cancer syndrome (HBOC). Identifiers: Orphanet 145, MedGen C0677776, MeSH D061325, MONDO:0003582. Disease mechanism: loss of function.

Allele frequency attached by ClinVar (database versions not stated): gnomAD exomes below 0.00001; ExAC 0.00001; ESP Exome Variant Server 0.00008.

Submissions (4):

Center for Genomic Medicine, Rigshospitalet, Copenhagen University Hospital
Classification: Likely benign. Last evaluated: 2025-12-29. Review status: criteria provided, single submitter. Criteria: ACMG Guidelines, 2015. Collection method: clinical testing. Allele origin: germline.

Labcorp Genetics (formerly Invitae), Labcorp
Classification: Uncertain significance for Hereditary breast ovarian cancer syndrome. Last evaluated: 2024-01-26. Review status: criteria provided, single submitter. Criteria: Invitae Variant Classification Sherloc (09022015). Collection method: clinical testing. Allele origin: germline.
Comment: This sequence change replaces threonine, which is neutral and polar, with alanine, which is neutral and non-polar, at codon 860 of the BRCA1 protein (p.Thr860Ala). This variant is present in population databases (rs373207084, gnomAD 0.0009%). This variant has not been reported in the literature in individuals affected with BRCA1-related conditions. ClinVar contains an entry for this variant (Variation ID: 821512). Advanced modeling of protein sequence and biophysical properties (such as structural, functional, and spatial information, amino acid conservation, physicochemical variation, residue mobility, and thermodynamic stability) performed at Invitae indicates that this missense variant is not expected to disrupt BRCA1 protein function with a negative predictive value of 95%. In summary, the available evidence is currently insufficient to determine the role of this variant in disease. Therefore, it has been classified as a Variant of Uncertain Significance.

University of Washington Department of Laboratory Medicine, University of Washington
Classification: Likely benign for Hereditary cancer-predisposing syndrome. Last evaluated: 2023-03-23. Review status: criteria provided, single submitter. Criteria: Dines et al. (Genet Med. 2020). Collection method: curation. Allele origin: germline.
Comment: Missense variant in a coldspot region where missense variants are very unlikely to be pathogenic (PMID:31911673).

BRCA1 coldspot (exon 11 using historical exon numbering). Reclassification based on statistical prior probability

Ambry Genetics
Classification: Uncertain significance for Hereditary cancer-predisposing syndrome. Last evaluated: 2022-04-19. Review status: criteria provided, single submitter. Criteria: Ambry Variant Classification Scheme 2023. Collection method: clinical testing. Allele origin: germline.
Comment: The p.T860A variant (also known as c.2578A>G), located in coding exon 9 of the BRCA1 gene, results from an A to G substitution at nucleotide position 2578. The threonine at codon 860 is replaced by alanine, an amino acid with similar properties. This amino acid position is not well conserved in available vertebrate species. In addition, the in silico prediction for this alteration is inconclusive. Since supporting evidence is limited at this time, the clinical significance of this alteration remains unclear.

NM_007294.4(BRCA1):c.2578A>G (p.Thr860Ala)

Gene: BRCA1 (BRCA1 DNA repair associated; minus strand). Cytogenetic location: 17q21.31.
Variant type: single nucleotide variant.
Coding change: c.2578A>G on transcript NM_007294.4 (MANE Select); coding-DNA position 2578, A replaced by G.
Protein change: p.Thr860Ala; replaces threonine 860 with alanine.
Molecular consequence: missense variant. On other transcripts: intron variant (137).
Genome position (GRCh38, 1-based): chr17:43,092,953, T>C on the plus strand (A>G on the coding strand, the complement: BRCA1 is on the minus strand). VCF-style: chr17-43092953-T-C. GRCh37 (hg19) VCF-style: chr17-41244970-T-C.
Other names: c.2578A>G, p.Thr860Ala (NM_001407859.1, NM_001407854.1, NM_001407858.1 and 30 more transcripts); c.2374A>G, p.Thr792Ala (NM_001407874.1, NM_001407875.1); c.2575A>G, p.Thr859Ala (NM_001407861.1, NM_001407860.1, NM_001407587.1 and 22 more transcripts); c.2455A>G, p.Thr819Ala (NM_001407863.1, NM_001407919.1, NM_001407937.1 and 19 more transcripts); c.2377A>G, p.Thr793Ala (NM_001407862.1); c.2452A>G, p.Thr818Ala (NM_001407689.1, NM_001407690.1, NM_001407691.1 and 11 more transcripts); c.2437A>G, p.Thr813Ala (NM_001407692.1, NM_001407694.1, NM_001407695.1 and 29 more transcripts); c.2434A>G, p.Thr812Ala (NM_001407740.1, NM_001407741.1, NM_001407742.1 and 20 more transcripts); and 41 more; short protein forms T813A, T860A, T564A, T748A, T790A, T833A, T732A, T749A.
Identifiers: ClinVar variation 821512 (VCV000821512.16), dbSNP rs373207084, ClinGen allele CA058451.